The following is an entry in ClinVar:

NM_000038.6(APC):c.7618C>G (p.Pro2540Ala)

Gene: APC (APC regulator of Wnt signaling pathway; plus strand). Cytogenetic location: 5q22.2.
Variant type: single nucleotide variant.
Coding change: c.7618C>G on transcript NM_000038.6 (MANE Select); coding-DNA position 7618, C replaced by G.
Protein change: p.Pro2540Ala; replaces proline 2540 with alanine.
Molecular consequence: missense variant.
Genome position (GRCh38, 1-based): chr5:112,843,212, C>G. VCF-style: chr5-112843212-C-G. GRCh37 (hg19) VCF-style: chr5-112178909-C-G.
Other names: c.7618C>G, p.Pro2540Ala (NM_001127510.3, NM_001354895.2); c.7564C>G, p.Pro2522Ala (NM_001127511.3); c.7672C>G, p.Pro2558Ala (NM_001354896.2); c.7648C>G, p.Pro2550Ala (NM_001354897.2); c.7543C>G, p.Pro2515Ala (NM_001354898.2); c.7534C>G, p.Pro2512Ala (NM_001354899.2); c.7495C>G, p.Pro2499Ala (NM_001354900.2); c.7441C>G, p.Pro2481Ala (NM_001354901.2); and 5 more; short protein forms P2540A, P2522A, P2380A, P2439A, P2449A, P2414A, P2550A, P2481A.
Identifiers: ClinVar variation 487041 (VCV000487041.21), dbSNP rs1554088531, ClinGen allele CA16037879.

ClinVar aggregate classification (germline): Uncertain significance. Review status: criteria provided, multiple submitters, no conflicts (2 of 4 stars). 5 submissions from 5 submitters: Uncertain significance (5). Last evaluated 2025-11-10.

Conditions:
Hereditary cancer-predisposing syndrome. Also called: Tumor predisposition; Hereditary Cancer Syndrome; Hereditary neoplastic syndrome; Neoplastic Syndromes, Hereditary. Identifiers: Orphanet 140162, MedGen C0027672, MeSH D009386, MONDO:0015356.
Familial adenomatous polyposis 1 (FAP1). Also called: FAMILIAL ADENOMATOUS POLYPOSIS 1, ATTENUATED; POLYPOSIS, ADENOMATOUS INTESTINAL. Identifiers: MedGen C2713442, MONDO:0021056, OMIM 175100. Disease mechanism: loss of function.

Allele frequency attached by ClinVar (database versions not stated): gnomAD exomes below 0.00001.
gnomAD v4.1: 1 of 1,613,522 alleles (0.000062%); highest among the groups gnomAD compares: Non-Finnish European, 0.000085%; no homozygotes.

Submissions (5):

Labcorp Genetics (formerly Invitae), Labcorp
Classification: Uncertain significance for Familial adenomatous polyposis 1. Last evaluated: 2025-11-10. Review status: criteria provided, single submitter. Criteria: Invitae Variant Classification Sherloc (09022015). Collection method: clinical testing. Allele origin: germline.
Comment: This sequence change replaces proline, which is neutral and non-polar, with alanine, which is neutral and non-polar, at codon 2540 of the APC protein (p.Pro2540Ala). This variant is not present in population databases (gnomAD no frequency). This variant has not been reported in the literature in individuals affected with APC-related conditions. ClinVar contains an entry for this variant (Variation ID: 487041). Invitae Evidence Modeling of protein sequence and biophysical properties (such as structural, functional, and spatial information, amino acid conservation, physicochemical variation, residue mobility, and thermodynamic stability) indicates that this missense variant is not expected to disrupt APC protein function with a negative predictive value of 95%. In summary, the available evidence is currently insufficient to determine the role of this variant in disease. Therefore, it has been classified as a Variant of Uncertain Significance.

Color Diagnostics, LLC DBA Color Health
Classification: Uncertain significance for Hereditary cancer-predisposing syndrome. Last evaluated: 2024-03-06. Review status: criteria provided, single submitter. Criteria: ACMG Guidelines, 2015. Collection method: clinical testing. Allele origin: germline.
Comment: This missense variant replaces proline with alanine at codon 2540 of the APC protein. Computational prediction suggests that this variant may not impact protein structure and function (internally defined REVEL score threshold <= 0.5, PMID: 27666373). To our knowledge, functional studies have not been reported for this variant. This variant has not been reported in individuals affected with hereditary cancer in the literature. This variant has not been identified in the general population by the Genome Aggregation Database (gnomAD). The available evidence is insufficient to determine the role of this variant in disease conclusively. Therefore, this variant is classified as a Variant of Uncertain Significance.

Baylor Genetics
Classification: Uncertain significance for Familial adenomatous polyposis 1. Last evaluated: 2023-09-09. Review status: criteria provided, single submitter. Criteria: ACMG Guidelines, 2015. Collection method: clinical testing. Allele origin: unknown.

Ambry Genetics
Classification: Uncertain significance for Hereditary cancer-predisposing syndrome. Last evaluated: 2023-06-08. Review status: criteria provided, single submitter. Criteria: Ambry Variant Classification Scheme 2023. Collection method: clinical testing. Allele origin: germline.
Comment: The p.P2540A variant (also known as c.7618C>G), located in coding exon 15 of the APC gene, results from a C to G substitution at nucleotide position 7618. The proline at codon 2540 is replaced by alanine, an amino acid with highly similar properties. This amino acid position is well conserved in available vertebrate species. In addition, in silico predictors for this gene do not accurately predict pathogenicity. Since supporting evidence is limited at this time, the clinical significance of this alteration remains unclear.

Mendelics
Classification: Uncertain significance for Familial adenomatous polyposis 1. Last evaluated: 2019-05-28. Review status: criteria provided, single submitter. Criteria: Mendelics Assertion Criteria 2017. Collection method: clinical testing. Allele origin: unknown.